The following is an entry in ClinVar:

NM_000138.5(FBN1):c.737-20T>G

Gene: FBN1 (fibrillin 1; minus strand). Cytogenetic location: 15q21.1.
Variant type: single nucleotide variant.
Coding change: c.737-20T>G on transcript NM_000138.5 (MANE Select); 20 bases into the intron before coding-DNA position 737, T replaced by G.
Molecular consequence: intron variant.
Genome position (GRCh38, 1-based): chr15:48,534,225, A>C on the plus strand (T>G on the coding strand, the complement: FBN1 is on the minus strand). VCF-style: chr15-48534225-A-C. GRCh37 (hg19) VCF-style: chr15-48826422-A-C.
Other names: c.737-20T>G (NM_001406716.1, NM_001406717.1).
Identifiers: ClinVar variation 3385062 (VCV003385062.3).
Genomic context (GRCh38, chr15:48,534,225, plus strand): 5'-TCCCTGACAGAGCCCGGGGATGGCCTGGCATTCATCCACATCTGTCAGATTACAGAAGAC[A>C]GAGAGAAAAAAAAAAAACTCATATGAAATTCATTGCAGAATAAAATGTGATAATTTGTCC-3'

ClinVar aggregate classification (germline): Likely benign. Review status: criteria provided, multiple submitters, no conflicts (2 of 4 stars). 2 submissions from 2 submitters: Likely benign (2). Last evaluated 2024-10-28.

Conditions:
Marfan syndrome (MFS). Also called: MARFAN SYNDROME, TYPE I; Marfan syndrome type 1; Marfan's syndrome; FBN1-Related Marfan Syndrome; Marfan syndrome, classic. Identifiers: Orphanet 284963, Orphanet 558, MedGen C0024796, MONDO:0007947, OMIM 154700.
Familial thoracic aortic aneurysm and aortic dissection (TAAD). Also called: Thoracic aortic aneurysms and dissections. Identifiers: Orphanet 91387, MedGen C4707243, MONDO:0019625.

gnomAD v4.1: 10 of 1,558,410 alleles (0.00064%); highest among the groups gnomAD compares: Non-Finnish European, 0.00085%; no homozygotes.

Submissions (2):

Women's Health and Genetics/Laboratory Corporation of America, LabCorp
Classification: Likely benign. Last evaluated: 2024-10-28. Review status: criteria provided, single submitter. Criteria: LabCorp Variant Classification Summary - May 2015. Collection method: clinical testing. Allele origin: germline.
Comment: Variant summary: FBN1 c.737-20T>G alters a nucleotide located at a position not widely known to affect splicing. Consensus agreement among computation tools predict no significant impact on normal splicing. However, these predictions have yet to be confirmed by functional studies. The variant allele was found at a frequency of 4.4e-06 in 229414 control chromosomes. The available data on variant occurrences in the general population are insufficient to allow any conclusion about variant significance. To our knowledge, no occurrence of c.737-20T>G in individuals affected with Aortopathy and no experimental evidence demonstrating its impact on protein function have been reported. No submitters have cited clinical-significance assessments for this variant to ClinVar. Based on the evidence outlined above, the variant was classified as likely benign.

Labcorp Genetics (formerly Invitae), Labcorp
Classification: Likely benign for Marfan syndrome; Familial thoracic aortic aneurysm and aortic dissection. Last evaluated: 2024-03-16. Review status: criteria provided, single submitter. Criteria: Invitae Variant Classification Sherloc (09022015). Collection method: clinical testing. Allele origin: germline.